The following is an entry in ClinVar:

ClinVar aggregate classification (germline): Conflicting classifications of pathogenicity. Review status: criteria provided, conflicting classifications (1 of 4 stars). 3 submissions from 3 submitters: Uncertain significance (1); Likely benign (2). Last evaluated 2025-10-23.

Conditions:
Long QT syndrome (LQTS). Identifiers: MedGen C0023976, MeSH D008133, MONDO:0002442. Disease mechanism: loss of function. Inheritance: Various modes of inheritance.
Cardiac arrhythmia. Also called: Arrhythmia; Cardiac rhythm disease. Identifiers: MedGen C0003811, MONDO:0007263, HP:0011675.

Allele frequency attached by ClinVar (database versions not stated): ExAC 0.00001; TOPMed 0.00001.
gnomAD v4.1: 4 of 1,608,206 alleles (0.00025%); highest among the groups gnomAD compares: East Asian, 0.0045%; no homozygotes.

Submissions (3):

Labcorp Genetics (formerly Invitae), Labcorp
Classification: Likely benign for Long QT syndrome. Last evaluated: 2025-10-23. Review status: criteria provided, single submitter. Criteria: Invitae Variant Classification Sherloc (09022015). Collection method: clinical testing. Allele origin: germline.

All of Us Research Program, National Institutes of Health
Classification: Uncertain significance for Long QT syndrome. Last evaluated: 2024-01-11. Review status: criteria provided, single submitter. Criteria: ACMG Guidelines, 2015. Collection method: clinical testing. Allele origin: germline. Inheritance: Autosomal dominant inheritance. Observed: 3 variant alleles, 3 heterozygotes.
Comment: This synonymous variant does not change the amino acid sequence of the KCNH2 protein. However, computational splicing tools suggest that this variant may disrupt RNA splicing. To our knowledge, functional studies have not been performed for this variant. This variant has not been reported in individuals affected with cardiovascular disorders in the literature. This variant has been identified in 3/250260 chromosomes in the general population by the Genome Aggregation Database (gnomAD). The available evidence is insufficient to determine the role of this variant in disease conclusively. Therefore, this variant is classified as a Variant of Uncertain Significance.

This study involves interpretation of variants in research participants for the purpose of population health screening. Participant phenotype was not available at the time of variant classification. Additional details can be found in publication PMID: 35346344, PMCID: PMC8962531

Color Diagnostics, LLC DBA Color Health
Classification: Likely benign for Cardiac arrhythmia. Last evaluated: 2023-12-05. Review status: criteria provided, single submitter. Criteria: ACMG Guidelines, 2015. Collection method: clinical testing. Allele origin: germline.

NM_000238.4(KCNH2):c.1638C>T (p.Gly546=)

Gene: KCNH2 (potassium voltage-gated channel subfamily H member 2; minus strand). Cytogenetic location: 7q36.1.
Variant type: single nucleotide variant.
Coding change: c.1638C>T on transcript NM_000238.4 (MANE Select); coding-DNA position 1638, C replaced by T.
Protein change: p.Gly546=; no amino-acid change (glycine 546 retained).
Molecular consequence: synonymous variant. On other transcripts: non-coding transcript variant (2).
Genome position (GRCh38, 1-based): chr7:150,951,755, G>A on the plus strand (C>T on the coding strand, the complement: KCNH2 is on the minus strand). VCF-style: chr7-150951755-G-A. GRCh37 (hg19) VCF-style: chr7-150648843-G-A.
Other names: c.618C>T, p.Gly206= (NM_001204798.2, NM_172057.3); c.1350C>T, p.Gly450= (NM_001406753.1, NM_001406756.1); c.1461C>T, p.Gly487= (NM_001406755.1); c.1338C>T, p.Gly446= (NM_001406757.1); c.1638C>T, p.Gly546= (NM_172056.3).
Identifiers: ClinVar variation 657058 (VCV000657058.18), dbSNP rs759245832, ClinGen allele CA029038.